The following is an entry in ClinVar:

ClinVar aggregate classification (germline): Pathogenic/Likely pathogenic. Review status: criteria provided, multiple submitters, no conflicts (2 of 4 stars). 3 submissions from 3 submitters: Pathogenic (1); Likely pathogenic (2). Last evaluated 2024-04-30.

Conditions:
Autosomal recessive nonsyndromic hearing loss 3. Also called: NEUROSENSORY NONSYNDROMIC RECESSIVE DEAFNESS 3. Identifiers: Orphanet 90636, MedGen C1838263, MONDO:0010860, OMIM 600316.

Allele frequency attached by ClinVar (database versions not stated): gnomAD 0.00001.
gnomAD v4.1: 9 of 1,613,976 alleles (0.00056%); highest among the groups gnomAD compares: African/African-American, 0.0013%; no homozygotes.

Submissions (3):

Fulgent Genetics
Classification: Likely pathogenic for Autosomal recessive nonsyndromic hearing loss 3. Last evaluated: 2024-04-30. Review status: criteria provided, single submitter. Criteria: ACMG Guidelines, 2015. Collection method: clinical testing. Allele origin: germline.

Women's Health and Genetics/Laboratory Corporation of America, LabCorp
Classification: Likely pathogenic for Autosomal recessive nonsyndromic hearing loss 3. Last evaluated: 2024-04-24. Review status: criteria provided, single submitter. Criteria: LabCorp Variant Classification Summary - May 2015. Collection method: clinical testing. Allele origin: germline.
Comment: Variant summary: MYO15A c.3742C>T (p.Arg1248Trp) results in a non-conservative amino acid change in the encoded protein sequence. Four of four in-silico tools predict a damaging effect of the variant on protein function. The variant was absent in 249524 control chromosomes. c.3742C>T has been reported in the literature in individuals affected with Autosomal Recessive Nonsyndromic Hearing Loss (e.g. Zhang_2019, Morgan_2021, Wang_2022, Lee_2023). These data indicate that the variant is likely to be associated with disease. To our knowledge, no experimental evidence demonstrating an impact on protein function has been reported. The following publications have been ascertained in the context of this evaluation (PMID: 30953472, 35052694, 36217262, 36570450, 37107638). ClinVar contains an entry for this variant (Variation ID: 2884066). Based on the evidence outlined above, the variant was classified as likely pathogenic.

Labcorp Genetics (formerly Invitae), Labcorp
Classification: Pathogenic. Last evaluated: 2023-11-15. Review status: criteria provided, single submitter. Criteria: Invitae Variant Classification Sherloc (09022015). Collection method: clinical testing. Allele origin: germline.
Comment: This sequence change replaces arginine, which is basic and polar, with tryptophan, which is neutral and slightly polar, at codon 1248 of the MYO15A protein (p.Arg1248Trp). This variant is present in population databases (no rsID available, gnomAD 0.01%). This missense change has been observed in individual(s) with congenital deafness (PMID: 30953472, 36217262). In at least one individual the data is consistent with being in trans (on the opposite chromosome) from a pathogenic variant. It has also been observed to segregate with disease in related individuals. Advanced modeling of protein sequence and biophysical properties (such as structural, functional, and spatial information, amino acid conservation, physicochemical variation, residue mobility, and thermodynamic stability) performed at Invitae indicates that this missense variant is not expected to disrupt MYO15A protein function with a negative predictive value of 95%. For these reasons, this variant has been classified as Pathogenic.

Literature cited by the submitters: PubMed 37107638 (cited by Women's Health and Genetics/Laboratory Corporation of America, LabCorp); PubMed 35052694 (cited by Women's Health and Genetics/Laboratory Corporation of America, LabCorp); PubMed 36570450 (cited by Women's Health and Genetics/Laboratory Corporation of America, LabCorp); PubMed 36217262 (cited by Women's Health and Genetics/Laboratory Corporation of America, LabCorp and Labcorp Genetics (formerly Invitae), Labcorp); PubMed 30953472 (cited by Women's Health and Genetics/Laboratory Corporation of America, LabCorp and Labcorp Genetics (formerly Invitae), Labcorp).

NM_016239.4(MYO15A):c.3742C>T (p.Arg1248Trp)

Gene: MYO15A (myosin XVA; plus strand). Cytogenetic location: 17p11.2.
Variant type: single nucleotide variant.
Coding change: c.3742C>T on transcript NM_016239.4 (MANE Select); coding-DNA position 3742, C replaced by T.
Protein change: p.Arg1248Trp; replaces arginine 1248 with tryptophan.
Molecular consequence: missense variant.
Genome position (GRCh38, 1-based): chr17:18,125,217, C>T. VCF-style: chr17-18125217-C-T. GRCh37 (hg19) VCF-style: chr17-18028531-C-T.
Other names: short protein forms R1248W.
Identifiers: ClinVar variation 2884066 (VCV002884066.5), dbSNP rs1171337671, ClinGen allele CA398590221.